The following is an entry in ClinVar:

NM_000277.3(PAH):c.509+2T>G

Gene: PAH (phenylalanine hydroxylase; minus strand). Cytogenetic location: 12q23.2.
Variant type: single nucleotide variant.
Coding change: c.509+2T>G on transcript NM_000277.3 (MANE Select); the canonical splice donor site of the intron after coding-DNA position 509, T replaced by G.
Molecular consequence: splice donor variant.
Genome position (GRCh38, 1-based): chr12:102,866,594, A>C on the plus strand (T>G on the coding strand, the complement: PAH is on the minus strand). VCF-style: chr12-102866594-A-C. GRCh37 (hg19) VCF-style: chr12-103260372-A-C.
Other names: c.509+2T>G (NM_001354304.2).
Identifiers: ClinVar variation 4851991 (VCV004851991.1).

ClinVar aggregate classification (germline): Pathogenic (1 of 4 stars; one submission).

Submission:

Dasa
Classification: Pathogenic. Last evaluated: 2026-01-12. Review status: criteria provided, single submitter. Criteria: DASA Assertion Criteria. Collection method: clinical testing. Allele origin: germline.
Comment: NM_000277.3(PAH):c.509+2T>G introduces a premature termination codon predicted to result in loss of normal protein function. Loss-of-function is an established mechanism of disease for this gene. This variant results in the same amino acid change as a previously established pathogenic variant. The variant is present at low frequency in population datasets. Based on the available data, this variant is classified as pathogenic.